The following is an entry in ClinVar:

ClinVar aggregate classification (germline): Uncertain significance (1 of 4 stars; one submission).

Conditions:
Cardiovascular phenotype. Identifiers: MedGen CN230736.

gnomAD v4.1: 1 of 1,613,020 alleles (0.000062%); highest among the groups gnomAD compares: Non-Finnish European, 0.000085%; no homozygotes.

Submission:

Ambry Genetics
Classification: Uncertain significance for Cardiovascular phenotype. Last evaluated: 2026-09-14. Review status: criteria provided, single submitter. Criteria: Ambry Variant Classification Scheme 2023. Collection method: clinical testing. Allele origin: germline.
Comment: The c.1794C>T variant (also known as p.G598G), located in coding exon 2 of the TNXB gene, results from a C to T substitution at nucleotide position 1794. This nucleotide substitution does not change the amino acid at codon 598. This nucleotide position is not well conserved in available vertebrate species. In silico splice site analysis for this alteration is inconclusive. Based on the available evidence, the clinical significance of this variant remains unclear.

NM_001365276.2(TNXB):c.1794C>T (p.Gly598=)

Gene: TNXB (tenascin XB; minus strand). Cytogenetic location: 6p21.33.
Variant type: single nucleotide variant.
Coding change: c.1794C>T on transcript NM_001365276.2 (MANE Select); coding-DNA position 1794, C replaced by T.
Protein change: p.Gly598=; no amino-acid change (glycine 598 retained).
Molecular consequence: synonymous variant.
Genome position (GRCh38, 1-based): chr6:32,096,059, G>A on the plus strand (C>T on the coding strand, the complement: TNXB is on the minus strand). VCF-style: chr6-32096059-G-A. GRCh37 (hg19) VCF-style: chr6-32063836-G-A.
Other names: c.1794C>T, p.Gly598= (NM_001428335.1, NM_019105.8).
Identifiers: ClinVar variation 5031055 (VCV005031055.1).